The following is an entry in ClinVar:

NM_022436.3(ABCG5):c.1325-4C>G

Genes: ABCG5 (ATP binding cassette subfamily G member 5; minus strand), DYNC2LI1 (dynein cytoplasmic 2 light intermediate chain 1; plus strand). Cytogenetic location: 2p21.
Variant type: single nucleotide variant.
Coding change: c.1325-4C>G on transcript NM_022436.3 (MANE Select); 4 bases into the intron before coding-DNA position 1325, C replaced by G.
Molecular consequence: intron variant.
Genome position (GRCh38, 1-based): chr2:43,822,939, G>C on the plus strand (C>G on the coding strand, the complement: ABCG5 is on the minus strand). VCF-style: chr2-43822939-G-C. GRCh37 (hg19) VCF-style: chr2-44050078-G-C.
Other names: c.*16-4447G>C (NM_001348913.2, NM_001348912.2).
Identifiers: ClinVar variation 2919657 (VCV002919657.6), dbSNP rs370895243, ClinGen allele CA1636313.
Genomic context (GRCh38, chr2:43,822,939, plus strand): 5'-ACTTCTGGTAGAGGCCGTCCTGACTCTCCTGGTCGCTGACAGCTCGCAGCACGGGAACTG[G>C]GGATGGAAGGCAGGTTTCAGAACAGTCAGTCACCACCCAGCTGAAAAAGGGAGGGCTAGC-3'

ClinVar aggregate classification (germline): Likely benign. Review status: criteria provided, multiple submitters, no conflicts (2 of 4 stars). 3 submissions from 3 submitters: Likely benign (2). 1 of the submissions does not count toward it. Last evaluated 2025-12-26.

Conditions:
ABCG5-related disorder. Also called: ABCG5-related condition.
Sitosterolemia (STSL). Also called: PHYTOSTEROLEMIA. Identifiers: Orphanet 2882, MedGen C0342907, MONDO:0008863.
Cardiovascular phenotype. Identifiers: MedGen CN230736.

gnomAD v4.1: 55 of 1,613,522 alleles (0.0034%); highest among the groups gnomAD compares: Non-Finnish European, 0.0044%; no homozygotes.

Submissions (3):

Labcorp Genetics (formerly Invitae), Labcorp
Classification: Likely benign for Sitosterolemia. Last evaluated: 2025-12-26. Review status: criteria provided, single submitter. Criteria: Invitae Variant Classification Sherloc (09022015). Collection method: clinical testing. Allele origin: germline.

Ambry Genetics
Classification: Likely benign for Cardiovascular phenotype. Last evaluated: 2025-09-05. Review status: criteria provided, single submitter. Criteria: Ambry Variant Classification Scheme 2023. Collection method: clinical testing. Allele origin: germline.

PreventionGenetics, part of Exact Sciences
Classification: Likely benign for ABCG5-related condition. Last evaluated: 2023-03-09. Review status: no assertion criteria provided. Collection method: clinical testing. Allele origin: germline. Not counted in ClinVar's aggregate classification.
Comment: This variant is classified as likely benign based on ACMG/AMP sequence variant interpretation guidelines (Richards et al. 2015 PMID: 25741868, with internal and published modifications).